The following is an entry in ClinVar:

ClinVar aggregate classification (germline): Conflicting classifications of pathogenicity. Review status: criteria provided, conflicting classifications (1 of 4 stars). 5 submissions from 4 submitters: Likely pathogenic (1); Uncertain significance (1). 3 of the submissions do not count toward it. Last evaluated 2023-03-14.

Conditions:
Multiple mitochondrial dysfunctions syndrome 5. Also called: ISCA1-Related Multiple Mitochondrial Dysfunctions Syndrome. Identifiers: Orphanet 569274, MedGen C4539919, MONDO:0033282, OMIM 617613.
Fatal multiple mitochondrial dysfunctions syndrome. Also called: Multiple mitochondrial dysfunctions syndrome. Identifiers: Orphanet 289573, MedGen C3502075, MONDO:0017338.

Allele frequency attached by ClinVar (database versions not stated): gnomAD exomes below 0.00001; ExAC 0.00001; gnomAD 0.00001.
gnomAD v4.1: 16 of 1,607,686 alleles (0.001%); highest among the groups gnomAD compares: South Asian, 0.0034%; no homozygotes.

Submissions (5):

Revvity Omics, Revvity
Classification: Uncertain significance for Multiple mitochondrial dysfunctions syndrome 5. Last evaluated: 2023-03-14. Review status: criteria provided, single submitter. Criteria: ACMG Guidelines, 2015. Collection method: clinical testing. Allele origin: germline.

Kasturba Medical College, Manipal, Kasturba Medical College, Manipal, Manipal Academy of Higher Education, Manipal, India
Classification: Likely pathogenic for Multiple mitochondrial dysfunctions syndrome 5. Review status: criteria provided, single submitter. Criteria: ACMG Guidelines, 2015. Collection method: clinical testing. Allele origin: inherited. Inheritance: Autosomal recessive inheritance. Affected: yes.

OMIM
Classification: Pathogenic for MULTIPLE MITOCHONDRIAL DYSFUNCTIONS SYNDROME 5. Last evaluated: 2020-07-08. Review status: no assertion criteria provided. Collection method: literature only. Allele origin: germline. Not counted in ClinVar's aggregate classification.

Kasturba Medical College, Manipal, Kasturba Medical College, Manipal, Manipal Academy of Higher Education, Manipal, India
Classification: Pathogenic for Multiple mitochondrial dysfunctions syndrome. Last evaluated: 2017-01-30. Review status: no assertion criteria provided. Collection method: research. Allele origin: germline. Inheritance: Autosomal recessive inheritance. Affected: yes. Observed: 2 variant alleles, 2 homozygotes. Clinical features observed: Intellectual disability, Microcephaly, Leukodystrophy, Generalized tonic seizure, Failure to thrive, Spasticity, Aplasia/Hypoplasia of the corpus callosum, Pachygyria, Increased circulating lactate concentration. Not counted in ClinVar's aggregate classification.

GeneReviews
No classification provided. Condition: Multiple mitochondrial dysfunctions syndrome 5. Review status: no classification provided. Collection method: literature only. Allele origin: germline. Not counted in ClinVar's aggregate classification.
Comment: Apparent founder variant in southwestern India

Literature cited by the submitters: PubMed 28356563 (cited by 3 submitters); PubMed 30105122 (cited by GeneReviews); PubMed 31580634 (cited by GeneReviews).

NM_030940.4(ISCA1):c.259G>A (p.Glu87Lys)

Gene: ISCA1 (iron-sulfur cluster assembly 1; minus strand). Cytogenetic location: 9q21.33.
Variant type: single nucleotide variant.
Coding change: c.259G>A on transcript NM_030940.4 (MANE Select); coding-DNA position 259, G replaced by A.
Protein change: p.Glu87Lys; replaces glutamic acid 87 with lysine.
Molecular consequence: missense variant.
Genome position (GRCh38, 1-based): chr9:86,266,174, C>T on the plus strand (G>A on the coding strand, the complement: ISCA1 is on the minus strand). VCF-style: chr9-86266174-C-T. GRCh37 (hg19) VCF-style: chr9-88881089-C-T.
Other names: short protein forms E87K.
Identifiers: ClinVar variation 375415 (VCV000375415.11), dbSNP rs776679653, ClinGen allele CA5108230.